The following is an entry in ClinVar:

NM_021098.3(CACNA1H):c.4038+5C>T

Gene: CACNA1H (calcium voltage-gated channel subunit alpha1 H; plus strand). Cytogenetic location: 16p13.3.
Variant type: single nucleotide variant.
Coding change: c.4038+5C>T on transcript NM_021098.3 (MANE Select); 5 bases into the intron after coding-DNA position 4038, C replaced by T.
Molecular consequence: intron variant.
Genome position (GRCh38, 1-based): chr16:1,210,656, C>T. VCF-style: chr16-1210656-C-T. GRCh37 (hg19) VCF-style: chr16-1260656-C-T.
Other names: c.4038+5C>T (NM_001005407.2, NM_021098.2).
Identifiers: ClinVar variation 1400992 (VCV001400992.9), dbSNP rs368592629, ClinGen allele CA7801088.

ClinVar aggregate classification (germline): Uncertain significance. Review status: criteria provided, multiple submitters, no conflicts (2 of 4 stars). 3 submissions from 3 submitters: Uncertain significance (2). 1 of the submissions does not count toward it. Last evaluated 2025-10-15.

Conditions:
Hyperaldosteronism, familial, type IV (HALD4). Also called: FH IV; ALDOSTERONISM, PRIMARY, AND HYPERTENSION. Identifiers: Orphanet 642671, MedGen C4310756, MONDO:0014875, OMIM 617027.
Idiopathic generalized epilepsy. Also called: Generalised epilepsy; EIG. Identifiers: MedGen C0270850, MONDO:0005579, OMIM 600669.
CACNA1H-related disorder.
Epilepsy, childhood absence, susceptibility to, 6. Identifiers: Orphanet 64280, MedGen C2749872, MONDO:0012763, OMIM 611942.

Allele frequency attached by ClinVar (database versions not stated): ExAC 0.00001; gnomAD exomes 0.00002 and 0.00003; gnomAD 0.00003 and 0.00005; TOPMed 0.00003; ESP Exome Variant Server 0.00008.
gnomAD v4.1: 58 of 1,601,836 alleles (0.0036%); highest among the groups gnomAD compares: Middle Eastern, 0.017%; no homozygotes.

Submissions (3):

Labcorp Genetics (formerly Invitae), Labcorp
Classification: Uncertain significance for Idiopathic generalized epilepsy; Hyperaldosteronism, familial, type IV. Last evaluated: 2025-10-15. Review status: criteria provided, single submitter. Criteria: Invitae Variant Classification Sherloc (09022015). Collection method: clinical testing. Allele origin: germline.
Comment: This sequence change falls in intron 20 of the CACNA1H gene. It does not directly change the encoded amino acid sequence of the CACNA1H protein. It affects a nucleotide within the consensus splice site. This variant is present in population databases (rs368592629, gnomAD 0.004%). This variant has not been reported in the literature in individuals affected with CACNA1H-related conditions. ClinVar contains an entry for this variant (Variation ID: 1400992). Variants that disrupt the consensus splice site are a relatively common cause of aberrant splicing (PMID: 17576681, 9536098). Algorithms developed to predict the effect of sequence changes on RNA splicing suggest that this variant is not likely to affect RNA splicing. In summary, the available evidence is currently insufficient to determine the role of this variant in disease. Therefore, it has been classified as a Variant of Uncertain Significance.

Fulgent Genetics
Classification: Uncertain significance for Epilepsy, childhood absence, susceptibility to, 6; Hyperaldosteronism, familial, type IV. Last evaluated: 2024-01-05. Review status: criteria provided, single submitter. Criteria: ACMG Guidelines, 2015. Collection method: clinical testing. Allele origin: germline.

PreventionGenetics, part of Exact Sciences
Classification: Likely benign for CACNA1H-related condition. Last evaluated: 2019-06-08. Review status: no assertion criteria provided. Collection method: clinical testing. Allele origin: germline. Not counted in ClinVar's aggregate classification.
Comment: This variant is classified as likely benign based on ACMG/AMP sequence variant interpretation guidelines (Richards et al. 2015 PMID: 25741868, with internal and published modifications).

Literature cited by the submitters: PubMed 17576681 (cited by Labcorp Genetics (formerly Invitae), Labcorp); PubMed 9536098 (cited by Labcorp Genetics (formerly Invitae), Labcorp).